The following is an entry in ClinVar:

ClinVar aggregate classification (germline): Uncertain significance (1 of 4 stars; one submission).

Submission:

Women's Health and Genetics/Laboratory Corporation of America, LabCorp
Classification: Uncertain significance. Last evaluated: 2026-06-12. Review status: criteria provided, single submitter. Criteria: LabCorp Variant Classification Summary - May 2015. Collection method: clinical testing. Allele origin: germline.
Comment: Variant summary: The variant involves the deletion of exon 2 in the GPC5 gene. A presumed nomenclature of c.(163+1_164-1)_(325+1_326-1)del has been designated for the purposes of this classification. This Copy Number Variant (CNV) is predicted to result in an in-frame deletion within this gene. Current evidence is not sufficient to establish loss of function as a mechanism for disease. The variant allele was found at a frequency of 0.00022 in 120780 control chromosomes in the gnomAD database (Structural Variants v4.1 dataset). This frequency is not significantly higher than estimated for disease-causing variants in GPC5, allowing no conclusion about variant significance. To our knowledge, no occurrence of c.(163+1_164-1)_(325+1_326-1)del in individuals affected with GPC5-related conditions and no experimental evidence demonstrating its impact on protein function have been reported. No submitters have cited clinical-significance assessments for this variant to ClinVar. Based on the evidence outlined above, the variant was classified as uncertain significance.

NC_000013.10:g.(92051464_92101014)_(92101177_92345440)del

Gene: GPC5 (glypican 5; plus strand). Cytogenetic location: 13q31.3.
Variant type: Deletion.
Identifiers: ClinVar variation 4887296 (VCV004887296.1).